The following is an entry in ClinVar:

ClinVar aggregate classification (germline): Uncertain significance. Review status: criteria provided, multiple submitters, no conflicts (2 of 4 stars). 3 submissions from 3 submitters: Uncertain significance (3). Last evaluated 2024-07-10.

Conditions:
Familial cold autoinflammatory syndrome 1 (FCAS1). Also called: CRYOPYRIN-ASSOCIATED PERIODIC SYNDROME 1; Familial cold inflammatory syndrome 1. Identifiers: Orphanet 47045, MedGen C4551895, MONDO:0007349, OMIM 120100.
Familial amyloid nephropathy with urticaria AND deafness (MWS). Also called: Urticaria, deafness and amyloidosis; UDA SYNDROME; URTICARIA-DEAFNESS-AMYLOIDOSIS SYNDROME; MUCKLE-WELLS SYNDROME; CRYOPYRIN-ASSOCIATED PERIODIC SYNDROME 2. Identifiers: Orphanet 575, MedGen C0268390, MONDO:0008633, OMIM 191900.

Allele frequency attached by ClinVar (database versions not stated): gnomAD exomes below 0.00001; gnomAD 0.00001; ExAC 0.00002; TOPMed 0.00002.
gnomAD v4.1: 3 of 1,613,534 alleles (0.00019%); highest among the groups gnomAD compares: African/African-American, 0.004%; no homozygotes.

Submissions (3):

GeneDx
Classification: Uncertain significance. Last evaluated: 2024-07-10. Review status: criteria provided, single submitter. Criteria: GeneDx Variant Classification Process June 2021. Collection method: clinical testing. Allele origin: germline. Affected: yes.
Comment: Not observed at significant frequency in large population cohorts (gnomAD); In silico analysis supports that this missense variant has a deleterious effect on protein structure/function; Has not been previously published as pathogenic or benign to our knowledge

New York Genome Center
Classification: Uncertain significance for Familial amyloid nephropathy with urticaria AND deafness; Familial cold autoinflammatory syndrome 1. Last evaluated: 2021-03-26. Review status: criteria provided, single submitter. Criteria: NYGC Assertion Criteria 2020. Collection method: clinical testing. Allele origin: germline. Observed: 1 heterozygote. Study: CSER-NYCKidSeq.

Athena Diagnostics
Classification: Uncertain significance. Last evaluated: 2019-08-14. Review status: criteria provided, single submitter. Criteria: Athena Diagnostics Criteria. Collection method: clinical testing. Allele origin: germline.

NM_001243133.2(NLRP3):c.2951T>A (p.Val984Asp)

Gene: NLRP3 (NLR family pyrin domain containing 3; plus strand). Cytogenetic location: 1q44.
Variant type: single nucleotide variant.
Coding change: c.2951T>A on transcript NM_001243133.2 (MANE Select); coding-DNA position 2951, T replaced by A.
Protein change: p.Val984Asp; replaces valine 984 with aspartic acid.
Molecular consequence: missense variant.
Genome position (GRCh38, 1-based): chr1:247,444,767, T>A. VCF-style: chr1-247444767-T-A. GRCh37 (hg19) VCF-style: chr1-247608069-T-A.
Other names: c.2951T>A, p.Val984Asp (NM_001079821.3); c.2780T>A, p.Val927Asp (NM_001127461.3, NM_001127462.3); c.2957T>A, p.Val986Asp (NM_004895.5); c.2609T>A, p.Val870Asp (NM_183395.3); short protein forms V986D, V984D, V870D, V927D.
Identifiers: ClinVar variation 805093 (VCV000805093.4), dbSNP rs778650629, ClinGen allele CA1495402.
Genomic context (GRCh38, chr1:247,444,767, plus strand): 5'-CCTCCAGCCAGAGCCTGCGAAAGCTGAGCCTGGGCAACAATGACCTGGGCGACCTGGGGG[T>A]CATGATGTTCTGTGAAGTGCTGAAACAGCAGAGCTGCCTCCTGCAGAACCTGGGGTGAGT-3'
Protein context (NP_001230062.1, residues 974-994): LGNNDLGDLG[Val984Asp]MMFCEVLKQQ